The following is an entry in ClinVar:

NM_013432.5(TONSL):c.1883C>T (p.Thr628Ile)

Genes: TONSL (tonsoku like, DNA repair protein; minus strand), TONSL-AS1 (TONSL antisense RNA 1; plus strand). Cytogenetic location: 8q24.3.
Variant type: single nucleotide variant.
Coding change: c.1883C>T on transcript NM_013432.5 (MANE Select); coding-DNA position 1883, C replaced by T.
Protein change: p.Thr628Ile; replaces threonine 628 with isoleucine.
Molecular consequence: missense variant. On other transcripts: non-coding transcript variant (1).
Genome position (GRCh38, 1-based): chr8:144,436,764, G>A on the plus strand (C>T on the coding strand, the complement: TONSL is on the minus strand). VCF-style: chr8-144436764-G-A. GRCh37 (hg19) VCF-style: chr8-145662147-G-A.
Other names: short protein forms T628I.
Identifiers: ClinVar variation 2077118 (VCV002077118.5), dbSNP rs752723546, ClinGen allele CA4943022.

ClinVar aggregate classification (germline): Uncertain significance. Review status: criteria provided, multiple submitters, no conflicts (2 of 4 stars). 2 submissions from 2 submitters: Uncertain significance (2). Last evaluated 2024-12-30.

Conditions:
Inborn genetic diseases. Identifiers: MedGen C0950123, MeSH D030342.

Allele frequency attached by ClinVar (database versions not stated): gnomAD 0.00003; TOPMed 0.00003; gnomAD exomes 0.00007; ExAC 0.00001.

Submissions (2):

Labcorp Genetics (formerly Invitae), Labcorp
Classification: Uncertain significance. Last evaluated: 2024-12-30. Review status: criteria provided, single submitter. Criteria: Invitae Variant Classification Sherloc (09022015). Collection method: clinical testing. Allele origin: germline.
Comment: This sequence change replaces threonine, which is neutral and polar, with isoleucine, which is neutral and non-polar, at codon 628 of the TONSL protein (p.Thr628Ile). This variant is present in population databases (rs752723546, gnomAD 0.007%). This variant has not been reported in the literature in individuals affected with TONSL-related conditions. ClinVar contains an entry for this variant (Variation ID: 2077118). Invitae Evidence Modeling of protein sequence and biophysical properties (such as structural, functional, and spatial information, amino acid conservation, physicochemical variation, residue mobility, and thermodynamic stability) indicates that this missense variant is expected to disrupt TONSL protein function with a positive predictive value of 80%. In summary, the available evidence is currently insufficient to determine the role of this variant in disease. Therefore, it has been classified as a Variant of Uncertain Significance.

Ambry Genetics
Classification: Uncertain significance for Inborn genetic diseases. Last evaluated: 2022-08-17. Review status: criteria provided, single submitter. Criteria: Ambry Variant Classification Scheme 2023. Collection method: clinical testing. Allele origin: germline.